The following is an entry in ClinVar:

NM_001130438.3(SPTAN1):c.4034T>C (p.Leu1345Pro)

Gene: SPTAN1 (spectrin alpha, non-erythrocytic 1; plus strand). Cytogenetic location: 9q34.11.
Variant type: single nucleotide variant.
Coding change: c.4034T>C on transcript NM_001130438.3 (MANE Select); coding-DNA position 4034, T replaced by C.
Protein change: p.Leu1345Pro; replaces leucine 1345 with proline.
Molecular consequence: missense variant.
Genome position (GRCh38, 1-based): chr9:128,605,465, T>C. VCF-style: chr9-128605465-T-C. GRCh37 (hg19) VCF-style: chr9-131367744-T-C.
Other names: c.3974T>C, p.Leu1325Pro (NM_001195532.2, NM_001363765.2, NM_001375314.2 and 3 more transcripts); c.4034T>C, p.Leu1345Pro (NM_001363759.2, NM_001375310.1, NM_001375311.2 and 4 more transcripts); c.4070T>C, p.Leu1357Pro (NM_001375312.2, NM_001375318.1, NM_001438440.1); short protein forms L1325P, L1345P, L1357P.
Identifiers: ClinVar variation 4689664 (VCV004689664.1).

ClinVar aggregate classification (germline): Uncertain significance (1 of 4 stars; one submission).

Submission:

Women's Health and Genetics/Laboratory Corporation of America, LabCorp
Classification: Uncertain significance. Last evaluated: 2026-01-05. Review status: criteria provided, single submitter. Criteria: LabCorp Variant Classification Summary - May 2015. Collection method: clinical testing. Allele origin: germline.
Comment: Variant summary: SPTAN1 c.4034T>C (p.Leu1345Pro) results in a non-conservative amino acid change in the encoded protein sequence. Algorithms developed to predict the effect of missense changes on protein structure and function are either unavailable or do not agree on the potential impact of this missense change. The variant was absent in 251354 control chromosomes. The available data on variant occurrences in the general population are insufficient to allow any conclusion about variant significance. To our knowledge, no occurrence of c.4034T>C in individuals affected with SPTAN1-related conditions and no experimental evidence demonstrating its impact on protein function have been reported. No submitters have cited clinical-significance assessments for this variant to ClinVar. Based on the evidence outlined above, the variant was classified as uncertain significance.